The following is an entry in ClinVar:

NM_018139.3(DNAAF2):c.1861G>T (p.Glu621Ter)

Gene: DNAAF2 (dynein axonemal assembly factor 2; minus strand). Cytogenetic location: 14q21.3.
Variant type: single nucleotide variant.
Coding change: c.1861G>T on transcript NM_018139.3 (MANE Select); coding-DNA position 1861, G replaced by T.
Protein change: p.Glu621Ter; replaces glutamic acid 621 with a stop codon.
Molecular consequence: nonsense. On other transcripts: intron variant (1).
Genome position (GRCh38, 1-based): chr14:49,633,289, C>A on the plus strand (G>T on the coding strand, the complement: DNAAF2 is on the minus strand). VCF-style: chr14-49633289-C-A. GRCh37 (hg19) VCF-style: chr14-50100007-C-A.
Other names: c.1861G>T, p.Glu621Ter (NM_001083908.2); c.-205+194G>T (NM_001378453.1); short protein forms E621*.
Identifiers: ClinVar variation 3662769 (VCV003662769.2).

ClinVar aggregate classification (germline): Pathogenic (1 of 4 stars; one submission).

Conditions:
Primary ciliary dyskinesia. Also called: Ciliary dyskinesia. Identifiers: Orphanet 244, MedGen C0008780, MONDO:0016575, HP:0012265.

gnomAD v4.1: 1 of 1,612,752 alleles (0.000062%); highest among the groups gnomAD compares: Non-Finnish European, 0.000085%; no homozygotes.

Submission:

Labcorp Genetics (formerly Invitae), Labcorp
Classification: Pathogenic for Primary ciliary dyskinesia. Last evaluated: 2024-08-29. Review status: criteria provided, single submitter. Criteria: Invitae Variant Classification Sherloc (09022015). Collection method: clinical testing. Allele origin: germline.
Comment: This sequence change creates a premature translational stop signal (p.Glu621*) in the DNAAF2 gene. It is expected to result in an absent or disrupted protein product. Loss-of-function variants in DNAAF2 are known to be pathogenic (PMID: 19052621, 24498942). This variant is not present in population databases (gnomAD no frequency). This variant has not been reported in the literature in individuals affected with DNAAF2-related conditions. Algorithms developed to predict the effect of sequence changes on RNA splicing suggest that this variant may disrupt the consensus splice site. For these reasons, this variant has been classified as Pathogenic.

Literature cited by the submitters: PubMed 19052621; PubMed 24498942.